The following is an entry in ClinVar:

NM_000038.6(APC):c.8509T>C (p.Ser2837Pro)

Gene: APC (APC regulator of Wnt signaling pathway; plus strand). Cytogenetic location: 5q22.2.
Variant type: single nucleotide variant.
Coding change: c.8509T>C on transcript NM_000038.6 (MANE Select); coding-DNA position 8509, T replaced by C.
Protein change: p.Ser2837Pro; replaces serine 2837 with proline.
Molecular consequence: missense variant. On other transcripts: non-coding transcript variant (2).
Genome position (GRCh38, 1-based): chr5:112,844,103, T>C. VCF-style: chr5-112844103-T-C. GRCh37 (hg19) VCF-style: chr5-112179800-T-C.
Other names: c.8509T>C, p.Ser2837Pro (NM_001127510.3, NM_001354895.2, NM_001407450.1); c.8455T>C, p.Ser2819Pro (NM_001127511.3); c.8563T>C, p.Ser2855Pro (NM_001354896.2, NM_001407447.1, NM_001407448.1 and 1 more transcripts); c.8539T>C, p.Ser2847Pro (NM_001354897.2); c.8434T>C, p.Ser2812Pro (NM_001354898.2); c.8425T>C, p.Ser2809Pro (NM_001354899.2); c.8386T>C, p.Ser2796Pro (NM_001354900.2); c.8332T>C, p.Ser2778Pro (NM_001354901.2, NM_001407453.1); and 11 more; short protein forms S2711P, S2736P, S2746P, S2809P, S2847P, S2865P, S2453P, S2796P.
Identifiers: ClinVar variation 3880717 (VCV003880717.1).

ClinVar aggregate classification (germline): Uncertain significance (1 of 4 stars; one submission).

Conditions:
Hereditary cancer-predisposing syndrome. Also called: Tumor predisposition; Neoplastic Syndromes, Hereditary; Hereditary Cancer Syndrome; Hereditary neoplastic syndrome. Identifiers: Orphanet 140162, MedGen C0027672, MeSH D009386, MONDO:0015356.

Submission:

Ambry Genetics
Classification: Uncertain significance for Hereditary cancer-predisposing syndrome. Last evaluated: 2025-01-31. Review status: criteria provided, single submitter. Criteria: Ambry Variant Classification Scheme 2023. Collection method: clinical testing. Allele origin: germline.
Comment: The p.S2837P variant (also known as c.8509T>C), located in coding exon 15 of the APC gene, results from a T to C substitution at nucleotide position 8509. The serine at codon 2837 is replaced by proline, an amino acid with similar properties. This amino acid position is conserved. In addition, in silico predictors for this gene do not accurately predict pathogenicity. Based on the available evidence, the clinical significance of this variant remains unclear.